The following is an entry in ClinVar:

NM_173527.3(REM2):c.287G>C (p.Gly96Ala)

Gene: REM2 (RRAD and GEM like GTPase 2; plus strand). Cytogenetic location: 14q11.2.
Variant type: single nucleotide variant.
Coding change: c.287G>C on transcript NM_173527.3 (MANE Select); coding-DNA position 287, G replaced by C.
Protein change: p.Gly96Ala; replaces glycine 96 with alanine.
Molecular consequence: missense variant.
Genome position (GRCh38, 1-based): chr14:22,884,857, G>C. VCF-style: chr14-22884857-G-C. GRCh37 (hg19) VCF-style: chr14-23354066-G-C.
Other names: short protein forms G96A.
Identifiers: ClinVar variation 1231760 (VCV001231760.4), dbSNP rs8014119, ClinGen allele CA7106173.

ClinVar aggregate classification (germline): Benign. Review status: criteria provided, multiple submitters, no conflicts (2 of 4 stars). 2 submissions from 2 submitters: Benign (2). Last evaluated 2018-07-13.

Allele frequency attached by ClinVar (database versions not stated): gnomAD exomes 0.09625; ExAC 0.09682; 1000 Genomes Project 30x 0.10415; ESP Exome Variant Server 0.10590; 1000 Genomes Project 0.10703; TOPMed 0.11187; gnomAD 0.11771 and 0.12028.
gnomAD v4.1: 153,492 of 1,613,830 alleles (9.5%); highest among the groups gnomAD compares: African/African-American, 16%; 8,188 homozygotes.

Submissions (2):

GeneDx
Classification: Benign. Last evaluated: 2018-07-13. Review status: criteria provided, single submitter. Criteria: GeneDx Variant Classification Process June 2021. Collection method: clinical testing. Allele origin: germline. Affected: yes.
Comment: This variant is associated with the following publications: (PMID: 29431731)

Breakthrough Genomics
Classification: Benign. Review status: criteria provided, single submitter. Criteria: ACMG Guidelines, 2015. Collection method: not provided. Allele origin: germline. Inheritance: Unknown mechanism. Affected: yes.